The following is an entry in ClinVar:

NM_000384.3(APOB):c.1830-1G>A

Gene: APOB (apolipoprotein B; minus strand). Cytogenetic location: 2p24.1.
Variant type: single nucleotide variant.
Coding change: c.1830-1G>A on transcript NM_000384.3 (MANE Select); the canonical splice acceptor site of the intron before coding-DNA position 1830, G replaced by A.
Molecular consequence: splice acceptor variant.
Genome position (GRCh38, 1-based): chr2:21,028,066, C>T on the plus strand (G>A on the coding strand, the complement: APOB is on the minus strand). VCF-style: chr2-21028066-C-T. GRCh37 (hg19) VCF-style: chr2-21250938-C-T.
Identifiers: ClinVar variation 477783 (VCV000477783.14), dbSNP rs1399892057, ClinGen allele CA346013946.

ClinVar aggregate classification (germline): Pathogenic. Review status: criteria provided, multiple submitters, no conflicts (2 of 4 stars). 2 submissions from 2 submitters: Pathogenic (2). Last evaluated 2019-08-29.

Conditions:
Hypercholesterolemia, autosomal dominant, type B (FHCL2). Also called: APOB-Related Familial Hypercholesterolemia, Autosomal Dominant; Hyperlipoproteinemia Type IIb; Familial Hypercholesterolemia Type B; APOLIPOPROTEIN B-100, FAMILIAL DEFECTIVE; APOLIPOPROTEIN B-100, FAMILIAL LIGAND-DEFECTIVE; HYPERCHOLESTEROLEMIA, FAMILIAL, DUE TO LIGAND-DEFECTIVE APOLIPOPROTEIN B. Identifiers: MedGen C1704417, MONDO:0007751, OMIM 144010.
Familial hypobetalipoproteinemia 1. Also called: Hypobetalipoproteinemia, normotriglyceridemic; Acanthocytosis with hypobetalipoproteinemia; APOB-Related Familial Hypobetalipoproteinemia. Identifiers: MedGen C4551990, MONDO:0014252, OMIM 615558.

Submissions (2):

Knight Diagnostic Laboratories, Oregon Health and Sciences University
Classification: Pathogenic for Hypobetalipoproteinemia, familial, 1. Last evaluated: 2019-08-29. Review status: criteria provided, single submitter. Criteria: ACMG Guidelines, 2015. Collection method: clinical testing. Allele origin: germline. Observed: 1 variant allele.

Labcorp Genetics (formerly Invitae), Labcorp
Classification: Pathogenic for Familial hypobetalipoproteinemia 1; Hypercholesterolemia, autosomal dominant, type B. Last evaluated: 2017-07-10. Review status: criteria provided, single submitter. Criteria: Invitae Variant Classification Sherloc (09022015). Collection method: clinical testing. Allele origin: germline.
Comment: For these reasons, this variant has been classified as Pathogenic. Donor and acceptor splice site variants typically lead to a loss of protein function (PMID: 16199547), and loss-of-function variants in APOB are known to be pathogenic (PMID: 20032471). Algorithms developed to predict the effect of sequence changes on RNA splicing suggest that this variant may disrupt the consensus splice site, but this prediction has not been confirmed by published transcriptional studies. This variant has been reported in individuals affected with familial hypobetalipoproteinemia (PMID: 12124991, Invitae). This variant is also described as position 675G>A at the acceptor site of exon 14 according to the genomic position in GenBank M19820. This variant is not present in population databases (ExAC no frequency). This sequence change affects an acceptor splice site in intron 13 of the APOB gene. It is expected to disrupt RNA splicing and likely results in an absent or disrupted protein product.

Literature cited by the submitters: PubMed 16199547 (cited by Labcorp Genetics (formerly Invitae), Labcorp); PubMed 20032471 (cited by Labcorp Genetics (formerly Invitae), Labcorp); PubMed 12124991 (cited by Labcorp Genetics (formerly Invitae), Labcorp).